The following is an entry in ClinVar:

NM_001101426.4(CRPPA):c.236A>C (p.Tyr79Ser)

Gene: CRPPA (CDP-L-ribitol pyrophosphorylase A; minus strand). Cytogenetic location: 7p21.2.
Variant type: single nucleotide variant.
Coding change: c.236A>C on transcript NM_001101426.4 (MANE Select); coding-DNA position 236, A replaced by C.
Protein change: p.Tyr79Ser; replaces tyrosine 79 with serine.
Molecular consequence: missense variant. On other transcripts: non-coding transcript variant (1).
Genome position (GRCh38, 1-based): chr7:16,421,087, T>G on the plus strand (A>C on the coding strand, the complement: CRPPA is on the minus strand). VCF-style: chr7-16421087-T-G. GRCh37 (hg19) VCF-style: chr7-16460712-T-G.
Other names: c.236A>C, p.Tyr79Ser (NM_001101417.4, NM_001368197.1); short protein forms Y79S.
Identifiers: ClinVar variation 4292980 (VCV004292980.1).

ClinVar aggregate classification (germline): Uncertain significance (1 of 4 stars; one submission).

Conditions:
Autosomal recessive limb-girdle muscular dystrophy type 2U. Also called: MUSCULAR DYSTROPHY, LIMB-GIRDLE, TYPE 2U; Muscular dystrophy-dystroglycanopathy (limb-girdle), type c, 7. Identifiers: Orphanet 352479, MedGen C5190987, MONDO:0014474, OMIM 616052.

Submission:

3billion
Classification: Uncertain significance for Autosomal recessive limb-girdle muscular dystrophy type 2U. Last evaluated: 2024-08-23. Review status: criteria provided, single submitter. Criteria: ACMG Guidelines, 2015. Collection method: clinical testing. Allele origin: germline. Affected: yes.
Comment: The variant is not observed in the gnomAD v4.0.0 dataset. Predicted Consequence/Location: Missense variant In silico tool predictions suggest damaging effect of the variant on gene or gene product [REVEL: 0.89 (>=0.6, sensitivity 0.68 and specificity 0.92)]. The variant has been reported as of uncertain significance (ClinVar ID: VCV002440567). Therefore, this variant is classified as VUS according to the recommendation of ACMG/AMP guideline.